The following is an entry in ClinVar:

NM_004006.3(DMD):c.8176G>T (p.Glu2726Ter)

Gene: DMD (dystrophin; minus strand). Cytogenetic location: Xp21.1.
Variant type: single nucleotide variant.
Coding change: c.8176G>T on transcript NM_004006.3 (MANE Select); coding-DNA position 8176, G replaced by T.
Protein change: p.Glu2726Ter; replaces glutamic acid 2726 with a stop codon.
Molecular consequence: nonsense.
Genome position (GRCh38, 1-based): chrX:31,627,714, C>A on the plus strand (G>T on the coding strand, the complement: DMD is on the minus strand). VCF-style: chrX-31627714-C-A. GRCh37 (hg19) VCF-style: chrX-31645831-C-A.
Other names: c.8152G>T, p.Glu2718Ter (NM_000109.4); c.8164G>T, p.Glu2722Ter (NM_004009.3); c.7807G>T, p.Glu2603Ter (NM_004010.3); c.4153G>T, p.Glu1385Ter (NM_004011.4); c.4144G>T, p.Glu1382Ter (NM_004012.4); c.796G>T, p.Glu266Ter (NM_004013.3, NM_004020.4, NM_004021.3 and 2 more transcripts); short protein forms E1382*, E1385*, E2603*, E266*, E2718*, E2722*, E2726*.
Identifiers: ClinVar variation 4710672 (VCV004710672.1), dbSNP rs2148422111.

ClinVar aggregate classification (germline): Pathogenic (1 of 4 stars; one submission).

Conditions:
Duchenne muscular dystrophy (DMD). Also called: MUSCULAR DYSTROPHY, PSEUDOHYPERTROPHIC PROGRESSIVE, DUCHENNE TYPE; Duchenne Muscular Dystrophy (DMD). Identifiers: Orphanet 98896, MedGen C0013264, MONDO:0010679, OMIM 310200.

Submission:

Labcorp Genetics (formerly Invitae), Labcorp
Classification: Pathogenic for Duchenne muscular dystrophy. Last evaluated: 2025-08-10. Review status: criteria provided, single submitter. Criteria: Invitae Variant Classification Sherloc (09022015). Collection method: clinical testing. Allele origin: germline.
Comment: This sequence change creates a premature translational stop signal (p.Glu2726*) in the DMD gene. It is expected to result in an absent or disrupted protein product. Loss-of-function variants in DMD are known to be pathogenic (PMID: 16770791, 25007885). This variant is not present in population databases (gnomAD no frequency). This premature translational stop signal has been observed in individual(s) with Duchenne muscular dystrophy (PMID: 10533061). For these reasons, this variant has been classified as Pathogenic.

Literature cited by the submitters: PubMed 16770791; PubMed 25007885; PubMed 10533061.